The following is an entry in ClinVar:

ClinVar aggregate classification (germline): Uncertain significance (1 of 4 stars; one submission).

Allele frequency attached by ClinVar (database versions not stated): gnomAD exomes 0.00001 and 0.00002; gnomAD 0.00004; TOPMed 0.00006.
gnomAD v4.1: 11 of 1,613,834 alleles (0.00068%); highest among the groups gnomAD compares: Admixed American, 0.018%; no homozygotes.

Submission:

Labcorp Genetics (formerly Invitae), Labcorp
Classification: Uncertain significance. Last evaluated: 2021-08-11. Review status: criteria provided, single submitter. Criteria: Invitae Variant Classification Sherloc (09022015). Collection method: clinical testing. Allele origin: germline.
Comment: Algorithms developed to predict the effect of missense changes on protein structure and function are either unavailable or do not agree on the potential impact of this missense change (SIFT: "Deleterious"; PolyPhen-2: "Benign"; Align-GVGD: "Class C0"). In summary, the available evidence is currently insufficient to determine the role of this variant in disease. Therefore, it has been classified as a Variant of Uncertain Significance. This variant has not been reported in the literature in individuals affected with VCAN-related conditions. This variant is not present in population databases (ExAC no frequency). This sequence change replaces glycine with valine at codon 2758 of the VCAN protein (p.Gly2758Val). The glycine residue is highly conserved and there is a moderate physicochemical difference between glycine and valine.

NM_004385.5(VCAN):c.8273G>T (p.Gly2758Val)

Genes: VCAN (versican; plus strand), VCAN-AS1 (VCAN antisense RNA 1; minus strand). Cytogenetic location: 5q14.3.
Variant type: single nucleotide variant.
Coding change: c.8273G>T on transcript NM_004385.5 (MANE Select); coding-DNA position 8273, G replaced by T.
Protein change: p.Gly2758Val; replaces glycine 2758 with valine.
Molecular consequence: missense variant. On other transcripts: intron variant (2).
Genome position (GRCh38, 1-based): chr5:83,541,276, G>T. VCF-style: chr5-83541276-G-T. GRCh37 (hg19) VCF-style: chr5-82837095-G-T.
Other names: c.5312G>T, p.Gly1771Val (NM_001164097.2); c.4004-4261G>T (NM_001164098.2); c.1043-4261G>T (NM_001126336.3); short protein forms G1771V, G2758V.
Identifiers: ClinVar variation 1473619 (VCV001473619.6), dbSNP rs1216038014, ClinGen allele CA360316564.
Genomic context (GRCh38, chr5:83,541,276, plus strand): 5'-TACCAACATTGGGCCAATTTGAAAGGACTCAGGAGGAGTATGAAGACAAAAAACATGCTG[G>T]TCCTTCTTTTCAGCCAGAATTCTCTTCAGGAGCTGAGGAGGCATTAGTAGACCATACTCC-3'
Protein context (NP_004376.2, residues 2748-2768): QEEYEDKKHA[Gly2758Val]PSFQPEFSSG